The following is an entry in ClinVar:

ClinVar aggregate classification (germline): Conflicting classifications of pathogenicity. Review status: criteria provided, conflicting classifications (1 of 4 stars). 3 submissions from 3 submitters: Uncertain significance (1); Likely benign (2). Last evaluated 2025-08-10.

Conditions:
Alstrom syndrome (ALMS). Identifiers: Orphanet 64, MedGen C0268425, MONDO:0008763, OMIM 203800.
Cardiovascular phenotype. Identifiers: MedGen CN230736.

Allele frequency attached by ClinVar (database versions not stated): gnomAD exomes below 0.00001; gnomAD 0.00001 and 0.00002.
gnomAD v4.1: 2 of 1,614,094 alleles (0.00012%); highest among the groups gnomAD compares: African/African-American, 0.0013%; no homozygotes.

Submissions (3):

Labcorp Genetics (formerly Invitae), Labcorp
Classification: Likely benign for Alstrom syndrome. Last evaluated: 2025-08-10. Review status: criteria provided, single submitter. Criteria: Invitae Variant Classification Sherloc (09022015). Collection method: clinical testing. Allele origin: germline.

Ambry Genetics
Classification: Likely benign for Cardiovascular phenotype. Last evaluated: 2022-10-27. Review status: criteria provided, single submitter. Criteria: Ambry Variant Classification Scheme 2023. Collection method: clinical testing. Allele origin: germline.

Women's Health and Genetics/Laboratory Corporation of America, LabCorp
Classification: Uncertain significance. Last evaluated: 2018-07-09. Review status: criteria provided, single submitter. Criteria: LabCorp Variant Classification Summary - May 2015. Collection method: clinical testing. Allele origin: germline.
Comment: Variant summary: ALMS1 c.9072A>G (alternative name c.9078A>G) alters a non-conserved nucleotide resulting in a synonymous change. 5/5 computational tools predict no significant impact on normal splicing. However, these predictions have yet to be confirmed by functional studies. The variant allele was found at a frequency of 4.1e-06 in 246102 control chromosomes (gnomAD). The available data on variant occurrences in the general population are insufficient to allow any conclusion about variant significance. To our knowledge, no occurrence of c.9072A>G in individuals affected with Cardiomyopathy and no experimental evidence demonstrating its impact on protein function have been reported. No clinical diagnostic laboratories have submitted clinical-significance assessments for this variant to ClinVar after 2014. Based on the evidence outlined above, the variant was classified as VUS-possibly benign.

NM_001378454.1(ALMS1):c.9075A>G (p.Pro3025=)

Gene: ALMS1 (ALMS1 centrosome and basal body associated protein; plus strand). Cytogenetic location: 2p13.1.
Variant type: single nucleotide variant.
Coding change: c.9075A>G on transcript NM_001378454.1 (MANE Select); coding-DNA position 9075, A replaced by G.
Protein change: p.Pro3025=; no amino-acid change (proline 3025 retained).
Molecular consequence: synonymous variant.
Genome position (GRCh38, 1-based): chr2:73,491,034, A>G. VCF-style: chr2-73491034-A-G. GRCh37 (hg19) VCF-style: chr2-73718161-A-G.
Other names: c.9078A>G, p.Pro3026= (NM_015120.4).
Identifiers: ClinVar variation 599296 (VCV000599296.11), dbSNP rs1278648561, ClinGen allele CA427015688.